The following is an entry in ClinVar:

ClinVar aggregate classification (germline): Uncertain significance. Review status: criteria provided, multiple submitters, no conflicts (2 of 4 stars). 2 submissions from 2 submitters: Uncertain significance (2). Last evaluated 2025-09-27.

Conditions:
Inborn genetic diseases. Identifiers: MedGen C0950123, MeSH D030342.
Congenital myasthenic syndrome 15. Also called: Myasthenic syndrome, congenital, 15, without tubular aggregates. Identifiers: Orphanet 353327, Orphanet 590, MedGen C4015596, MONDO:0014542, OMIM 616227.

Allele frequency attached by ClinVar (database versions not stated): gnomAD exomes 0.00007 and 0.00010; ESP Exome Variant Server 0.00008; gnomAD 0.00005 and 0.00004; ExAC 0.00010; TOPMed 0.00009.
gnomAD v4.1: 115 of 1,614,050 alleles (0.0071%); highest among the groups gnomAD compares: South Asian, 0.076%; 1 homozygote.

Submissions (2):

Ambry Genetics
Classification: Uncertain significance for Inborn genetic diseases. Last evaluated: 2025-09-27. Review status: criteria provided, single submitter. Criteria: Ambry Variant Classification Scheme 2023. Collection method: clinical testing. Allele origin: germline.

Labcorp Genetics (formerly Invitae), Labcorp
Classification: Uncertain significance for Congenital myasthenic syndrome 15. Last evaluated: 2022-08-15. Review status: criteria provided, single submitter. Criteria: Invitae Variant Classification Sherloc (09022015). Collection method: clinical testing. Allele origin: germline.
Comment: This sequence change replaces valine, which is neutral and non-polar, with methionine, which is neutral and non-polar, at codon 136 of the ALG14 protein (p.Val136Met). This variant is present in population databases (rs374376710, gnomAD 0.07%). This variant has not been reported in the literature in individuals affected with ALG14-related conditions. ClinVar contains an entry for this variant (Variation ID: 835869). Algorithms developed to predict the effect of missense changes on protein structure and function are either unavailable or do not agree on the potential impact of this missense change (SIFT: "Deleterious"; PolyPhen-2: "Possibly Damaging"; Align-GVGD: "Class C0"). In summary, the available evidence is currently insufficient to determine the role of this variant in disease. Therefore, it has been classified as a Variant of Uncertain Significance.

NM_144988.4(ALG14):c.406G>A (p.Val136Met)

Gene: ALG14 (ALG14 UDP-N-acetylglucosaminyltransferase subunit; minus strand). Cytogenetic location: 1p21.3.
Variant type: single nucleotide variant.
Coding change: c.406G>A on transcript NM_144988.4 (MANE Select); coding-DNA position 406, G replaced by A.
Protein change: p.Val136Met; replaces valine 136 with methionine.
Molecular consequence: missense variant. On other transcripts: non-coding transcript variant (1).
Genome position (GRCh38, 1-based): chr1:95,027,143, C>T on the plus strand (G>A on the coding strand, the complement: ALG14 is on the minus strand). VCF-style: chr1-95027143-C-T. GRCh37 (hg19) VCF-style: chr1-95492699-C-T.
Other names: c.443G>A, p.Gly148Asp (NM_001305242.2); short protein forms G148D, V136M.
Identifiers: ClinVar variation 835869 (VCV000835869.9), dbSNP rs374376710, ClinGen allele CA961802.